The following is an entry in ClinVar:

NM_004859.4(CLTC):c.2503G>A (p.Val835Ile)

Gene: CLTC (clathrin heavy chain; plus strand). Cytogenetic location: 17q23.1.
Variant type: single nucleotide variant.
Coding change: c.2503G>A on transcript NM_004859.4 (MANE Select); coding-DNA position 2503, G replaced by A.
Protein change: p.Val835Ile; replaces valine 835 with isoleucine.
Molecular consequence: missense variant.
Genome position (GRCh38, 1-based): chr17:59,674,785, G>A. VCF-style: chr17-59674785-G-A. GRCh37 (hg19) VCF-style: chr17-57752146-G-A.
Other names: c.2515G>A, p.Val839Ile (NM_001288653.2); short protein forms V835I, V839I.
Identifiers: ClinVar variation 1213790 (VCV001213790.2), dbSNP rs373696281, ClinGen allele CA292111498.

ClinVar aggregate classification (germline): Uncertain significance. Review status: criteria provided, multiple submitters, no conflicts (2 of 4 stars). 2 submissions from 2 submitters: Uncertain significance (2). Last evaluated 2023-05-03.

Conditions:
Intellectual developmental disorder, autosomal dominant 56. Also called: MENTAL RETARDATION, AUTOSOMAL DOMINANT 56; Intellectual disability, autosomal dominant 56. Identifiers: MedGen C4693389, MONDO:0030922, OMIM 617854.

Allele frequency attached by ClinVar (database versions not stated): gnomAD exomes below 0.00001 and 0.00001; gnomAD 0.00001; TOPMed 0.00001; ESP Exome Variant Server 0.00008.
gnomAD v4.1: 22 of 1,613,302 alleles (0.0014%); highest among the groups gnomAD compares: Non-Finnish European, 0.0019%; no homozygotes.

Submissions (2):

Greenwood Genetic Center Diagnostic Laboratories, Greenwood Genetic Center
Classification: Uncertain significance. Last evaluated: 2023-05-03. Review status: criteria provided, single submitter. Criteria: ACMG Guidelines, 2015. Collection method: clinical testing. Allele origin: germline. Affected: yes.
Comment: PM2

New York Genome Center
Classification: Uncertain significance for Intellectual developmental disorder, autosomal dominant 56. Last evaluated: 2020-09-19. Review status: criteria provided, single submitter. Criteria: NYGC Assertion Criteria 2020. Collection method: clinical testing. Allele origin: inherited. Observed: 1 heterozygote. Study: CSER-NYCKidSeq.